The following is an entry in ClinVar:

NM_000489.6(ATRX):c.5683A>G (p.Ser1895Gly)

Gene: ATRX (ATRX chromatin remodeler; minus strand). Cytogenetic location: Xq21.1.
Variant type: single nucleotide variant.
Coding change: c.5683A>G on transcript NM_000489.6 (MANE Select); coding-DNA position 5683, A replaced by G.
Protein change: p.Ser1895Gly; replaces serine 1895 with glycine.
Molecular consequence: missense variant.
Genome position (GRCh38, 1-based): chrX:77,600,448, T>C on the plus strand (A>G on the coding strand, the complement: ATRX is on the minus strand). VCF-style: chrX-77600448-T-C. GRCh37 (hg19) VCF-style: chrX-76855917-T-C.
Other names: c.5569A>G, p.Ser1857Gly (NM_138270.5); short protein forms S1857G, S1895G.
Identifiers: ClinVar variation 1009760 (VCV001009760.9), dbSNP rs2066633572, ClinGen allele CA413698172.

ClinVar aggregate classification (germline): Uncertain significance (1 of 4 stars; one submission).

Conditions:
Alpha thalassemia-X-linked intellectual disability syndrome (ATRX). Also called: ALPHA-THALASSEMIA/MENTAL RETARDATION SYNDROME, X-LINKED; ATR, NONDELETION TYPE; ATR-X syndrome; Alpha thalassemia mental retardation syndrome, nondeletion type, X-linked; XLMR hypotonic face syndrome; X-linked alpha-thalassemia-mental retardation syndrome. Identifiers: Orphanet 847, MedGen C1845055, MONDO:0010519, OMIM 301040.

Submission:

Labcorp Genetics (formerly Invitae), Labcorp
Classification: Uncertain significance for Alpha thalassemia-X-linked intellectual disability syndrome. Last evaluated: 2022-07-12. Review status: criteria provided, single submitter. Criteria: Invitae Variant Classification Sherloc (09022015). Collection method: clinical testing. Allele origin: germline.
Comment: This variant is not present in population databases (gnomAD no frequency). This sequence change replaces serine, which is neutral and polar, with glycine, which is neutral and non-polar, at codon 1895 of the ATRX protein (p.Ser1895Gly). This variant has not been reported in the literature in individuals affected with ATRX-related conditions. ClinVar contains an entry for this variant (Variation ID: 1009760). Advanced modeling of protein sequence and biophysical properties (such as structural, functional, and spatial information, amino acid conservation, physicochemical variation, residue mobility, and thermodynamic stability) performed at Invitae indicates that this missense variant is expected to disrupt ATRX protein function. In summary, the available evidence is currently insufficient to determine the role of this variant in disease. Therefore, it has been classified as a Variant of Uncertain Significance.